The following is an entry in ClinVar:

ClinVar aggregate classification (germline): Uncertain significance (1 of 4 stars; one submission).

Submission:

Labcorp Genetics (formerly Invitae), Labcorp
Classification: Uncertain significance. Last evaluated: 2022-10-13. Review status: criteria provided, single submitter. Criteria: Invitae Variant Classification Sherloc (09022015). Collection method: clinical testing. Allele origin: germline.
Comment: ClinVar contains an entry for this variant (Variation ID: 1035591). Advanced modeling of protein sequence and biophysical properties (such as structural, functional, and spatial information, amino acid conservation, physicochemical variation, residue mobility, and thermodynamic stability) performed at Invitae indicates that this missense variant is not expected to disrupt KCNV2 protein function. In summary, the available evidence is currently insufficient to determine the role of this variant in disease. Therefore, it has been classified as a Variant of Uncertain Significance. This variant has not been reported in the literature in individuals affected with KCNV2-related conditions. This sequence change replaces serine, which is neutral and polar, with asparagine, which is neutral and polar, at codon 211 of the KCNV2 protein (p.Ser211Asn). This variant is not present in population databases (gnomAD no frequency).

NM_133497.4(KCNV2):c.632G>A (p.Ser211Asn)

Gene: KCNV2 (potassium voltage-gated channel modifier subfamily V member 2; plus strand). Cytogenetic location: 9p24.2.
Variant type: single nucleotide variant.
Coding change: c.632G>A on transcript NM_133497.4 (MANE Select); coding-DNA position 632, G replaced by A.
Protein change: p.Ser211Asn; replaces serine 211 with asparagine.
Molecular consequence: missense variant.
Genome position (GRCh38, 1-based): chr9:2,718,371, G>A. VCF-style: chr9-2718371-G-A. GRCh37 (hg19) VCF-style: chr9-2718371-G-A.
Other names: short protein forms S211N.
Identifiers: ClinVar variation 1035591 (VCV001035591.10), dbSNP rs1175089913, ClinGen allele CA372798573.